The following is an entry in ClinVar:

NM_001006658.3(CR2):c.1015G>T (p.Ala339Ser)

Genes: CR2 (complement C3d receptor 2; plus strand), LOC126805994 (BRD4-independent group 4 enhancer GRCh37_chr1:207642622-207643821; plus strand). Cytogenetic location: 1q32.2.
Variant type: single nucleotide variant.
Coding change: c.1015G>T on transcript NM_001006658.3 (MANE Select); coding-DNA position 1015, G replaced by T.
Protein change: p.Ala339Ser; replaces alanine 339 with serine.
Molecular consequence: missense variant.
Genome position (GRCh38, 1-based): chr1:207,469,892, G>T. VCF-style: chr1-207469892-G-T. GRCh37 (hg19) VCF-style: chr1-207643237-G-T.
Other names: c.1015G>T, p.Ala339Ser (NM_001877.5); short protein forms A339S.
Identifiers: ClinVar variation 2431698 (VCV002431698.1), dbSNP rs1481954538, ClinGen allele CA344528915.

ClinVar aggregate classification (germline): Uncertain significance (1 of 4 stars; one submission).

Conditions:
Immunodeficiency, common variable, 7. Identifiers: Orphanet 1572, Orphanet 696894, MedGen C3542922, MONDO:0013862, OMIM 614699.

Allele frequency attached by ClinVar (database versions not stated): gnomAD exomes below 0.00001.
gnomAD v4.1: 1 of 1,613,962 alleles (0.000062%); highest among the groups gnomAD compares: Admixed American, 0.0017%; no homozygotes.

Submission:

Laboratorio de Genetica e Diagnostico Molecular, Hospital Israelita Albert Einstein
Classification: Uncertain significance for Immunodeficiency, common variable, 7. Last evaluated: 2022-09-22. Review status: criteria provided, single submitter. Criteria: ACMG Guidelines, 2015. Collection method: clinical testing. Allele origin: germline. Affected: yes. Observed: 1 variant allele.
Comment: ACMG classification criteria: PM2 moderated, BP4 supporting